The following is an entry in ClinVar:

ClinVar aggregate classification (germline): Likely pathogenic. Review status: criteria provided, single submitter (1 of 4 stars). 2 submissions from 2 submitters: Likely pathogenic (1). 1 of the submissions does not count toward it. Last evaluated 2024-02-28.

Conditions:
Kabuki syndrome 1 (KABUK1). Also called: KMT2D-Related Kabuki Syndrome. Identifiers: Orphanet 2322, MedGen CN030661, MONDO:0007843, OMIM 147920.
KMT2D-related disorder. Also called: KMT2D-Related Disorders.

Submissions (2):

Human Genetics Section, Sidra Medicine
Classification: Likely pathogenic for Kabuki syndrome 1. Last evaluated: 2024-02-28. Review status: criteria provided, single submitter. Criteria: ACMG Guidelines, 2015. Collection method: research. Allele origin: de novo. Affected: yes. Observed: 1 variant allele.
Comment: The KMT2D c.839G>A variant is predicted to result in the amino acid substitution p.Arg280Lys. This variant has not been reported in the literature in individuals affected with KMT2D-related conditions. This variant is not present in population databases (gnomAD no frequency). computational prediction tools unanimously support a deleterious effect on the gene. We therefore classify this variant as likely pathogenic

PreventionGenetics, part of Exact Sciences
Classification: Likely pathogenic for KMT2D-related condition. Last evaluated: 2024-05-07. Review status: no assertion criteria provided. Collection method: clinical testing. Allele origin: germline. Not counted in ClinVar's aggregate classification.
Comment: The KMT2D c.839G>A variant is predicted to result in the amino acid substitution p.Arg280Lys. To our knowledge, this variant has not been reported in the literature or in gnomAD, indicating this variant is rare. Pathogenic de novo missense variants in KMT2D are observed at a high frequency in individuals with Kabuki syndrome. This variant was interpreted as likely pathogenic in ClinVar. This variant is interpreted as likely pathogenic.

NM_003482.4(KMT2D):c.839G>A (p.Arg280Lys)

Gene: KMT2D (lysine methyltransferase 2D; minus strand). Cytogenetic location: 12q13.12.
Variant type: single nucleotide variant.
Coding change: c.839G>A on transcript NM_003482.4 (MANE Select); coding-DNA position 839, G replaced by A.
Protein change: p.Arg280Lys; replaces arginine 280 with lysine.
Molecular consequence: missense variant.
Genome position (GRCh38, 1-based): chr12:49,053,476, C>T on the plus strand (G>A on the coding strand, the complement: KMT2D is on the minus strand). VCF-style: chr12-49053476-C-T. GRCh37 (hg19) VCF-style: chr12-49447259-C-T.
Other names: short protein forms R280K.
Identifiers: ClinVar variation 3028904 (VCV003028904.3), dbSNP rs2120696377, ClinGen allele CA384680510.